The following is an entry in ClinVar:

NM_000138.5(FBN1):c.2762_2763del (p.Val920_Cys921insTer)

Gene: FBN1 (fibrillin 1; minus strand). Cytogenetic location: 15q21.1.
Variant type: Microsatellite.
Coding change: c.2762_2763del on transcript NM_000138.5 (MANE Select); coding-DNA positions 2762 to 2763, 2 bases deleted (GT; older notation c.2762_2763delGT).
Protein change: p.Val920_Cys921insTer.
Molecular consequence: nonsense.
Genome position (GRCh38, 1-based): chr15:48,492,552-48,492,553, AC deleted on the plus strand (GT on the coding strand, the reverse complement: FBN1 is on the minus strand); deleting any 2 consecutive bases within chr15:48,492,552-48,492,557 gives the same sequence; the c. name uses the placement nearest the transcript's 3' end. VCF-style (leftmost placement, unchanged base first): chr15-48492551-TAC-T. GRCh37 (hg19) VCF-style: chr15-48784748-TAC-T.
Identifiers: ClinVar variation 1200457 (VCV001200457.3), dbSNP rs2141300459, ClinGen allele CA2580613813.

ClinVar aggregate classification (germline): Pathogenic (1 of 4 stars; one submission).

Submission:

GeneDx
Classification: Pathogenic. Last evaluated: 2020-10-20. Review status: criteria provided, single submitter. Criteria: GeneDx Variant Classification Process June 2021. Collection method: clinical testing. Allele origin: germline. Affected: yes.
Comment: Has not been previously published as pathogenic or benign to our knowledge; Not observed in large population cohorts (Lek et al., 2016); Frameshift variant predicted to result in protein truncation or nonsense mediated decay in a gene for which loss-of-function is a known mechanism of disease